The following is an entry in ClinVar:

ClinVar aggregate classification (germline): Uncertain significance (1 of 4 stars; one submission).

Submission:

Dasa
Classification: Uncertain significance. Last evaluated: 2025-08-19. Review status: criteria provided, single submitter. Criteria: DASA Assertion Criteria. Collection method: clinical testing. Allele origin: germline.
Comment: NM_022168.4(IFIH1):c.2304+10T>A is a splice-region variant. This variant is absent from population databases. Computational prediction algorithms are consistent with a benign effect. The currently available literature and clinical evidence are not sufficient to establish a definitive association between this variant and the reported condition. Therefore, this variant is classified as a variant of uncertain significance.

NM_022168.4(IFIH1):c.2304+10T>A

Gene: IFIH1 (interferon induced with helicase C domain 1; minus strand). Cytogenetic location: 2q24.2.
Variant type: single nucleotide variant.
Coding change: c.2304+10T>A on transcript NM_022168.4 (MANE Select); 10 bases into the intron after coding-DNA position 2304, T replaced by A.
Molecular consequence: intron variant.
Genome position (GRCh38, 1-based): chr2:162,276,677, A>T on the plus strand (T>A on the coding strand, the complement: IFIH1 is on the minus strand). VCF-style: chr2-162276677-A-T. GRCh37 (hg19) VCF-style: chr2-163133187-A-T.
Identifiers: ClinVar variation 4885337 (VCV004885337.2).